The following is an entry in ClinVar:

ClinVar aggregate classification (germline): Benign (3 of 4 stars; one submission).

Conditions:
Breast-ovarian cancer, familial, susceptibility to, 2 (BROVCA2). Also called: BRCA2 Hereditary Breast and Ovarian Cancer. Identifiers: Orphanet 145, MedGen C2675520, MONDO:0012933, OMIM 612555. Disease mechanism: loss of function.

Allele frequency attached by ClinVar (database versions not stated): gnomAD 0.00076 and 0.00110; TOPMed 0.00091; 1000 Genomes Project 0.00220; 1000 Genomes Project 30x 0.00250.
gnomAD v4.1: 168 of 152,340 alleles (0.11%); highest among the groups gnomAD compares: South Asian, 1.1%; 1 homozygote.

Submission:

Evidence-based Network for the Interpretation of Germline Mutant Alleles (ENIGMA)
Classification: Benign for Breast-ovarian cancer, familial, susceptibility to, 2. Last evaluated: 2016-09-28. Review status: reviewed by expert panel. Criteria: ENIGMA BRCA1/2 Classification Criteria (2015). Collection method: curation. Allele origin: germline.
Comment: Class 1 not pathogenic based on frequency >1% in an outbred sampleset. Frequency 0.0112 (South Asian), derived from 1000 genomes (2013-05-02).

NM_000059.4(BRCA2):c.9257-5725T>G

Gene: BRCA2 (BRCA2 DNA repair associated; plus strand). Cytogenetic location: 13q13.1.
Variant type: single nucleotide variant.
Coding change: c.9257-5725T>G on transcript NM_000059.4 (MANE Select); 5725 bases into the intron before coding-DNA position 9257, T replaced by G.
Molecular consequence: intron variant.
Genome position (GRCh38, 1-based): chr13:32,388,964, T>G. VCF-style: chr13-32388964-T-G. GRCh37 (hg19) VCF-style: chr13-32963101-T-G.
Identifiers: ClinVar variation 264918 (VCV000264918.1), dbSNP rs567979190, ClinGen allele CA10588170.
Genomic context (GRCh38, chr13:32,388,964, plus strand): 5'-TTATTGATATGCCAGCATTCAACTTTGTCATTTTATTATTTGTTTTCTATTTGTTTCTCC[T>G]GCTTTTCATTCCTCCATTTCTCTTTTCTTGCCTTCCTGAAGGTTACTTAAATATATTTTA-3'